The following is an entry in ClinVar:

NM_001231.5(CASQ1):c.925G>A (p.Asp309Asn)

Gene: CASQ1 (calsequestrin 1; plus strand). Cytogenetic location: 1q23.2.
Variant type: single nucleotide variant.
Coding change: c.925G>A on transcript NM_001231.5 (MANE Select); coding-DNA position 925, G replaced by A.
Protein change: p.Asp309Asn; replaces aspartic acid 309 with asparagine.
Molecular consequence: missense variant.
Genome position (GRCh38, 1-based): chr1:160,198,994, G>A. VCF-style: chr1-160198994-G-A. GRCh37 (hg19) VCF-style: chr1-160168784-G-A.
Other names: p.Asp309Asn; short protein forms D309N.
Identifiers: ClinVar variation 1382770 (VCV001382770.11), dbSNP rs1046507393, ClinGen allele CA31499895.

ClinVar aggregate classification (germline): Uncertain significance. Review status: criteria provided, multiple submitters, no conflicts (2 of 4 stars). 4 submissions from 4 submitters: Uncertain significance (4). Last evaluated 2025-12-16.

Conditions:
Inborn genetic diseases. Identifiers: MedGen C0950123, MeSH D030342.

Allele frequency attached by ClinVar (database versions not stated): gnomAD exomes below 0.00001; gnomAD 0.00001 and 0.00002; TOPMed 0.00002.
gnomAD v4.1: 8 of 1,613,736 alleles (0.0005%); highest among the groups gnomAD compares: Admixed American, 0.0033%; no homozygotes.

Submissions (4):

Mayo Clinic Laboratories, Mayo Clinic
Classification: Uncertain significance. Last evaluated: 2025-12-16. Review status: criteria provided, single submitter. Criteria: ACMG Guidelines, 2015. Collection method: clinical testing. Allele origin: germline. Observed: 1 variant allele.

Labcorp Genetics (formerly Invitae), Labcorp
Classification: Uncertain significance. Last evaluated: 2025-10-05. Review status: criteria provided, single submitter. Criteria: Invitae Variant Classification Sherloc (09022015). Collection method: clinical testing. Allele origin: germline.
Comment: This sequence change replaces aspartic acid, which is acidic and polar, with asparagine, which is neutral and polar, at codon 309 of the CASQ1 protein (p.Asp309Asn). This variant is not present in population databases (gnomAD no frequency). This missense change has been observed in individual(s) with clinical features of CASQ1-related conditions (internal data). ClinVar contains an entry for this variant (Variation ID: 1382770). Invitae Evidence Modeling of protein sequence and biophysical properties (such as structural, functional, and spatial information, amino acid conservation, physicochemical variation, residue mobility, and thermodynamic stability) indicates that this missense variant is not expected to disrupt CASQ1 protein function with a negative predictive value of 80%. In summary, the available evidence is currently insufficient to determine the role of this variant in disease. Therefore, it has been classified as a Variant of Uncertain Significance.

Ambry Genetics
Classification: Uncertain significance for Inborn genetic diseases. Last evaluated: 2025-05-13. Review status: criteria provided, single submitter. Criteria: Ambry Variant Classification Scheme 2023. Collection method: clinical testing. Allele origin: germline.

Mendelics
Classification: Uncertain significance. Last evaluated: 2022-05-04. Review status: criteria provided, single submitter. Criteria: Mendelics Assertion Criteria 2019. Collection method: clinical testing. Allele origin: germline.